The following is an entry in ClinVar:

ClinVar aggregate classification (germline): Benign/Likely benign. Review status: criteria provided, multiple submitters, no conflicts (2 of 4 stars). 6 submissions from 5 submitters: Benign (5); Likely benign (1). Last evaluated 2026-02-04.

Conditions:
Achromatopsia. Also called: Rod monochromatism. Identifiers: Orphanet 49382, MedGen C0152200, MONDO:0018852, HP:0011516.
Cone dystrophy 4 (COD4). Identifiers: Orphanet 49382, MedGen C2751308, MONDO:0013129, OMIM 613093.

Allele frequency attached by ClinVar (database versions not stated): ESP Exome Variant Server 0.05098; TOPMed 0.05149; gnomAD 0.05341 and 0.05345; gnomAD exomes 0.06146; 1000 Genomes Project 30x 0.04950; 1000 Genomes Project 0.05032.
gnomAD v4.1: 108,094 of 1,606,120 alleles (6.7%); highest among the groups gnomAD compares: Non-Finnish European, 7.2%; 3,952 homozygotes.

Submissions (6):

Labcorp Genetics (formerly Invitae), Labcorp
Classification: Benign. Last evaluated: 2026-02-04. Review status: criteria provided, single submitter. Criteria: Invitae Variant Classification Sherloc (09022015). Collection method: clinical testing. Allele origin: germline.

Blueprint Genetics
Classification: Likely benign. Last evaluated: 2024-11-27. Review status: criteria provided, single submitter. Criteria: ACMG Guidelines, 2015. Collection method: clinical testing. Allele origin: germline.

Illumina Laboratory Services, Illumina
Classification: Benign for Achromatopsia. Last evaluated: 2018-01-13. Review status: criteria provided, single submitter. Criteria: ICSL Variant Classification Criteria 13 December 2019. Collection method: clinical testing. Allele origin: germline.
Comment: This variant was observed in the ICSL laboratory as part of a predisposition screen in an ostensibly healthy population. It had not been previously curated by ICSL or reported in the Human Gene Mutation Database (HGMD: prior to June 1st, 2018), and was therefore a candidate for classification through an automated scoring system. Utilizing variant allele frequency, disease prevalence and penetrance estimates, and inheritance mode, an automated score was calculated to assess if this variant is too frequent to cause the disease. Based on the score and internal cut-off values, a variant classified as benign is not then subjected to further curation. The score for this variant resulted in a classification of benign for this disease.

Illumina Laboratory Services, Illumina
Classification: Benign for Cone dystrophy 4. Last evaluated: 2018-01-13. Review status: criteria provided, single submitter. Criteria: ICSL Variant Classification Criteria 13 December 2019. Collection method: clinical testing. Allele origin: germline.
Comment: the same text as in the submission from Illumina Laboratory Services, Illumina above.

Breakthrough Genomics
Classification: Benign. Review status: criteria provided, single submitter. Criteria: ACMG Guidelines, 2015. Collection method: not provided. Allele origin: germline. Inheritance: Autosomal recessive inheritance. Affected: yes.

PreventionGenetics, part of Exact Sciences
Classification: Benign. Review status: criteria provided, single submitter. Criteria: ACMG Guidelines, 2015. Collection method: clinical testing. Allele origin: germline.

NM_006204.4(PDE6C):c.1270-9C>T

Gene: PDE6C (phosphodiesterase 6C; plus strand). Cytogenetic location: 10q23.33.
Variant type: single nucleotide variant.
Coding change: c.1270-9C>T on transcript NM_006204.4 (MANE Select); 9 bases into the intron before coding-DNA position 1270, C replaced by T.
Molecular consequence: intron variant.
Genome position (GRCh38, 1-based): chr10:93,635,488, C>T. VCF-style: chr10-93635488-C-T. GRCh37 (hg19) VCF-style: chr10-95395245-C-T.
Identifiers: ClinVar variation 259941 (VCV000259941.16), dbSNP rs11187564, ClinGen allele CA5610138.